The following is an entry in ClinVar:

NM_001286577.2(C2CD3):c.5203C>G (p.Leu1735Val)

Gene: C2CD3 (C2 domain containing 3 centriole elongation regulator; minus strand). Cytogenetic location: 11q13.4.
Variant type: single nucleotide variant.
Coding change: c.5203C>G on transcript NM_001286577.2 (MANE Select); coding-DNA position 5203, C replaced by G.
Protein change: p.Leu1735Val; replaces leucine 1735 with valine.
Molecular consequence: missense variant.
Genome position (GRCh38, 1-based): chr11:74,049,495, G>C on the plus strand (C>G on the coding strand, the complement: C2CD3 is on the minus strand). VCF-style: chr11-74049495-G-C. GRCh37 (hg19) VCF-style: chr11-73760540-G-C.
Other names: c.5203C>G, p.Leu1735Val (NM_015531.6); c.5203C>G (NM_015531.4); short protein forms L1735V.
Identifiers: ClinVar variation 1379596 (VCV001379596.4), dbSNP rs754010522, ClinGen allele CA6181947.

ClinVar aggregate classification (germline): Uncertain significance. Review status: criteria provided, multiple submitters, no conflicts (2 of 4 stars). 2 submissions from 2 submitters: Uncertain significance (2). Last evaluated 2024-01-29.

Conditions:
Inborn genetic diseases. Identifiers: MedGen C0950123, MeSH D030342.

Allele frequency attached by ClinVar (database versions not stated): ExAC 0.00001; gnomAD exomes 0.00001; gnomAD 0.00012 and 0.00015; TOPMed 0.00020.
gnomAD v4.1: 36 of 1,612,800 alleles (0.0022%); highest among the groups gnomAD compares: Admixed American, 0.038%; no homozygotes.

Submissions (2):

Ambry Genetics
Classification: Uncertain significance for Inborn genetic diseases. Last evaluated: 2024-01-29. Review status: criteria provided, single submitter. Criteria: Ambry Variant Classification Scheme 2023. Collection method: clinical testing. Allele origin: germline.

Labcorp Genetics (formerly Invitae), Labcorp
Classification: Uncertain significance. Last evaluated: 2022-05-06. Review status: criteria provided, single submitter. Criteria: Invitae Variant Classification Sherloc (09022015). Collection method: clinical testing. Allele origin: germline.
Comment: This sequence change replaces leucine, which is neutral and non-polar, with valine, which is neutral and non-polar, at codon 1735 of the C2CD3 protein (p.Leu1735Val). This variant is present in population databases (rs754010522, gnomAD 0.003%). This variant has not been reported in the literature in individuals affected with C2CD3-related conditions. Algorithms developed to predict the effect of missense changes on protein structure and function are either unavailable or do not agree on the potential impact of this missense change (SIFT: "Deleterious"; PolyPhen-2: "Probably Damaging"; Align-GVGD: "Class C0"). In summary, the available evidence is currently insufficient to determine the role of this variant in disease. Therefore, it has been classified as a Variant of Uncertain Significance.